The following is an entry in ClinVar:

NM_000138.5(FBN1):c.6710T>A (p.Val2237Glu)

Gene: FBN1 (fibrillin 1; minus strand). Cytogenetic location: 15q21.1.
Variant type: single nucleotide variant.
Coding change: c.6710T>A on transcript NM_000138.5 (MANE Select); coding-DNA position 6710, T replaced by A.
Protein change: p.Val2237Glu; replaces valine 2237 with glutamic acid.
Molecular consequence: missense variant.
Genome position (GRCh38, 1-based): chr15:48,432,895, A>T on the plus strand (T>A on the coding strand, the complement: FBN1 is on the minus strand). VCF-style: chr15-48432895-A-T. GRCh37 (hg19) VCF-style: chr15-48725092-A-T.
Other names: c.6710T>A, p.Val2237Glu (NM_001406716.1); short protein forms V2237E.
Identifiers: ClinVar variation 2633589 (VCV002633589.1), dbSNP rs1382970208, ClinGen allele CA392333315.

ClinVar aggregate classification (germline): Uncertain significance (1 of 4 stars; one submission).

Conditions:
FBN1-related disorder. Also called: FBN1-related disorders.

gnomAD v4.1: 1 of 1,613,748 alleles (0.000062%); highest among the groups gnomAD compares: Non-Finnish European, 0.000085%; no homozygotes.

Submission:

PreventionGenetics, part of Exact Sciences
Classification: Uncertain significance for FBN1-related condition. Last evaluated: 2023-03-16. Review status: criteria provided, single submitter. Criteria: ACMG Guidelines, 2015. Collection method: clinical testing. Allele origin: germline.
Comment: The FBN1 c.6710T>A variant is predicted to result in the amino acid substitution p.Val2237Glu. To our knowledge, this variant has not been reported in the literature. This variant is reported in 0.00088% of alleles in individuals of European (Non-Finnish) descent in gnomAD. At this time, the clinical significance of this variant is uncertain due to the absence of conclusive functional and genetic evidence.